The following is an entry in ClinVar:

NM_000051.4(ATM):c.6095+2T>A

Genes: ATM (ATM serine/threonine kinase; plus strand), C11orf65 (chromosome 11 open reading frame 65; minus strand). Cytogenetic location: 11q22.3.
Variant type: single nucleotide variant.
Coding change: c.6095+2T>A on transcript NM_000051.4 (MANE Select); the canonical splice donor site of the intron after coding-DNA position 6095, T replaced by A.
Molecular consequence: splice donor variant. On other transcripts: intron variant (2).
Genome position (GRCh38, 1-based): chr11:108,315,913, T>A. VCF-style: chr11-108315913-T-A. GRCh37 (hg19) VCF-style: chr11-108186640-T-A.
Other names: c.6095+2T>A (NM_001351834.2); c.641-6842A>T (NM_001330368.2); c.*39-6842A>T (NM_001351110.2).
Identifiers: ClinVar variation 2699652 (VCV002699652.4), dbSNP rs1057516525, ClinGen allele CA382550231.

ClinVar aggregate classification (germline): Likely pathogenic. Review status: criteria provided, multiple submitters, no conflicts (2 of 4 stars). 2 submissions from 2 submitters: Likely pathogenic (2). Last evaluated 2024-01-29.

Conditions:
Ataxia-telangiectasia syndrome (AT). Also called: LOUIS-BAR SYNDROME; Cerebello-oculocutaneous telangiectasia; Immunodeficiency with ataxia telangiectasia; Ataxia telangiectasia (A-T); Ataxia-telangiectasia, complementation group D; AT, COMPLEMENTATION GROUP C. Identifiers: Orphanet 100, MedGen C0004135, MONDO:0008840, OMIM 208900.
Familial cancer of breast. Also called: BREAST CANCER, FAMILIAL; Hereditary breast cancer; hereditary breast carcinoma. Identifiers: Orphanet 227535, MedGen C0346153, MONDO:0016419, OMIM 114480. Disease mechanism: loss of function.

Submissions (2):

Myriad Genetics, Inc.
Classification: Likely pathogenic for Familial cancer of breast. Last evaluated: 2024-01-29. Review status: criteria provided, single submitter. Criteria: Myriad Autosomal Dominant, Autosomal Recessive and X-Linked Classification Criteria (2023). Collection method: clinical testing. Allele origin: unknown.
Comment: This variant is considered likely pathogenic. This variant occurs within a consensus splice junction and is predicted to result in abnormal mRNA splicing of either an out-of-frame exon or an in-frame exon necessary for protein stability and/or normal function.

Labcorp Genetics (formerly Invitae), Labcorp
Classification: Likely pathogenic for Ataxia-telangiectasia syndrome. Last evaluated: 2023-11-29. Review status: criteria provided, single submitter. Criteria: Invitae Variant Classification Sherloc (09022015). Collection method: clinical testing. Allele origin: germline.
Comment: This sequence change affects a donor splice site in intron 41 of the ATM gene. It is expected to disrupt RNA splicing. Variants that disrupt the donor or acceptor splice site typically lead to a loss of protein function (PMID: 16199547), and loss-of-function variants in ATM are known to be pathogenic (PMID: 23807571, 25614872). This variant is not present in population databases (gnomAD no frequency). This variant has not been reported in the literature in individuals affected with ATM-related conditions. Algorithms developed to predict the effect of sequence changes on RNA splicing suggest that this variant may disrupt the consensus splice site. In summary, the currently available evidence indicates that the variant is pathogenic, but additional data are needed to prove that conclusively. Therefore, this variant has been classified as Likely Pathogenic.

Literature cited by the submitters: PubMed 16199547 (cited by Labcorp Genetics (formerly Invitae), Labcorp); PubMed 23807571 (cited by Labcorp Genetics (formerly Invitae), Labcorp); PubMed 25614872 (cited by Labcorp Genetics (formerly Invitae), Labcorp).